The following is an entry in ClinVar:

NM_002529.4(NTRK1):c.717+86G>C

Gene: NTRK1 (neurotrophic receptor tyrosine kinase 1; plus strand). Cytogenetic location: 1q23.1.
Variant type: single nucleotide variant.
Coding change: c.717+86G>C on transcript NM_002529.4 (MANE Select); 86 bases into the intron after coding-DNA position 717, G replaced by C.
Molecular consequence: intron variant.
Genome position (GRCh38, 1-based): chr1:156,868,733, G>C. VCF-style: chr1-156868733-G-C. GRCh37 (hg19) VCF-style: chr1-156838525-G-C.
Other names: c.627+86G>C (NM_001007792.1); c.717+86G>C (NM_001012331.2).
Identifiers: ClinVar variation 678229 (VCV000678229.1), dbSNP rs150452564, ClinGen allele CA31110604.

ClinVar aggregate classification (germline): Likely benign (1 of 4 stars; one submission).

Allele frequency attached by ClinVar (database versions not stated): 1000 Genomes Project 30x 0.00172; 1000 Genomes Project 0.00180; TOPMed 0.00220; gnomAD 0.00388 and 0.00397.
gnomAD v4.1: 5,886 of 1,520,368 alleles (0.39%); highest among the groups gnomAD compares: Non-Finnish European, 0.42%; 19 homozygotes.

Submission:

GeneDx
Classification: Likely benign. Last evaluated: 2018-06-19. Review status: criteria provided, single submitter. Criteria: GeneDx Variant Classification (06012015). Collection method: clinical testing. Allele origin: germline. Affected: yes.
Comment: This variant is considered likely benign or benign based on one or more of the following criteria: it is a conservative change, it occurs at a poorly conserved position in the protein, it is predicted to be benign by multiple in silico algorithms, and/or has population frequency not consistent with disease.